The following is an entry in ClinVar:

ClinVar aggregate classification (germline): Pathogenic. Review status: criteria provided, multiple submitters, no conflicts (2 of 4 stars). 4 submissions from 4 submitters: Pathogenic (2). 2 of the submissions do not count toward it. Last evaluated 2022-11-17.

Conditions:
Fanconi anemia complementation group A (FANCA). Also called: Fanconi anemia, group A; FANCA-Related Fanconi Anemia. Identifiers: Orphanet 84, MedGen C3469521, MONDO:0009215, OMIM 227650.
Fanconi anemia (FA). Also called: Fanconi's anemia. Identifiers: Orphanet 84, MedGen C0015625, MeSH D005199, MONDO:0019391.

Allele frequency attached by ClinVar (database versions not stated): gnomAD exomes below 0.00001.
gnomAD v4.1: 2 of 1,613,842 alleles (0.00012%); highest among the groups gnomAD compares: Non-Finnish European, 0.00017%; no homozygotes.

Submissions (4):

Labcorp Genetics (formerly Invitae), Labcorp
Classification: Pathogenic for Fanconi anemia. Last evaluated: 2022-11-17. Review status: criteria provided, single submitter. Criteria: Invitae Variant Classification Sherloc (09022015). Collection method: clinical testing. Allele origin: germline.
Comment: This sequence change affects a donor splice site in intron 14 of the FANCA gene. It is expected to disrupt RNA splicing. Variants that disrupt the donor or acceptor splice site typically lead to a loss of protein function (PMID: 16199547), and loss-of-function variants in FANCA are known to be pathogenic (PMID: 19367192). For these reasons, this variant has been classified as Pathogenic. Algorithms developed to predict the effect of sequence changes on RNA splicing suggest that this variant may disrupt the consensus splice site. This variant is not present in population databases (gnomAD no frequency). Disruption of this splice site has been observed in individuals with Fanconi anemia (PMID: 9399890, 24584348). This variant is also known as IVS14 + 1G>C. ClinVar contains an entry for this variant (Variation ID: 556465).

Baylor Genetics
Classification: Pathogenic for Fanconi anemia complementation group A. Last evaluated: 2022-01-11. Review status: criteria provided, single submitter. Criteria: ACMG Guidelines, 2015. Collection method: clinical testing. Allele origin: unknown.

Leiden Open Variation Database
Classification: Pathogenic for Fanconi anemia complementation group A. Last evaluated: 2020-02-28. Review status: no assertion criteria provided. Collection method: curation. Allele origin: germline. Affected: yes. Not counted in ClinVar's aggregate classification.
Comment: Curator: Arleen D. Auerbach. Submitter to LOVD: Arleen D. Auerbach.

Counsyl
Classification: Pathogenic for Fanconi anemia complementation group A. Last evaluated: 2018-01-31. Review status: no assertion criteria provided. Collection method: clinical testing. Allele origin: unknown. Not counted in ClinVar's aggregate classification.

Literature cited by the submitters: PubMed 16199547 (cited by Labcorp Genetics (formerly Invitae), Labcorp); PubMed 19367192 (cited by Labcorp Genetics (formerly Invitae), Labcorp); PubMed 9399890 (cited by Labcorp Genetics (formerly Invitae), Labcorp); PubMed 24584348 (cited by Labcorp Genetics (formerly Invitae), Labcorp and Counsyl); PubMed 09399890 (cited by Leiden Open Variation Database).

NM_000135.4(FANCA):c.1359+1G>C

Gene: FANCA (FA complementation group A; minus strand). Cytogenetic location: 16q24.3.
Variant type: single nucleotide variant.
Coding change: c.1359+1G>C on transcript NM_000135.4 (MANE Select); the canonical splice donor site of the intron after coding-DNA position 1359, G replaced by C.
Molecular consequence: splice donor variant.
Genome position (GRCh38, 1-based): chr16:89,791,402, C>G on the plus strand (G>C on the coding strand, the complement: FANCA is on the minus strand). VCF-style: chr16-89791402-C-G. GRCh37 (hg19) VCF-style: chr16-89857810-C-G.
Other names: c.1359+1G>C (NM_001286167.3).
Identifiers: ClinVar variation 556465 (VCV000556465.10), dbSNP rs1555561294, ClinGen allele CA397463556.